The following is an entry in ClinVar:

NM_203446.3(SYNJ1):c.2619dup (p.Glu874Ter)

Gene: SYNJ1 (synaptojanin 1; minus strand). Cytogenetic location: 21q22.11.
Variant type: Duplication.
Coding change: c.2619dup on transcript NM_203446.3 (MANE Select); coding-DNA position 2619, one base duplicated (T; older notation c.2619dupT).
Protein change: p.Glu874Ter; replaces glutamic acid 874 with a stop codon.
Molecular consequence: nonsense. On other transcripts: frameshift variant (2).
Genome position (GRCh38, 1-based): chr21:32,656,863, A duplicated on the plus strand (T on the coding strand, the reverse complement: SYNJ1 is on the minus strand); the first of 2 consecutive A bases (chr21:32,656,863-32,656,864); duplicating either gives the same sequence. VCF-style (leftmost placement, unchanged base first): chr21-32656862-C-CA. GRCh37 (hg19) VCF-style: chr21-34029172-C-CA.
Other names: c.2618dup, p.Glu874Terfs (NM_001160302.2); c.2604dup, p.Glu869Ter (NM_001160306.2); c.2735dup, p.Glu913Terfs (NM_003895.4); short protein forms E874*, E913*, E869*.
Identifiers: ClinVar variation 2030810 (VCV002030810.4), dbSNP rs2517530686, ClinGen allele CA2580098556.

ClinVar aggregate classification (germline): Pathogenic (1 of 4 stars; one submission).

Conditions:
Developmental and epileptic encephalopathy, 53. Also called: Epileptic encephalopathy, early infantile, 53. Identifiers: MedGen C4479313, MONDO:0033362, OMIM 617389.
Early-onset Parkinson disease 20. Also called: PARKINSON DISEASE 20, AUTOSOMAL RECESSIVE EARLY-ONSET. Identifiers: Orphanet 391411, MedGen C3809824, MONDO:0014233, OMIM 615530.

Submission:

Labcorp Genetics (formerly Invitae), Labcorp
Classification: Pathogenic for Developmental and epileptic encephalopathy, 53; Early-onset Parkinson disease 20. Last evaluated: 2023-10-13. Review status: criteria provided, single submitter. Criteria: Invitae Variant Classification Sherloc (09022015). Collection method: clinical testing. Allele origin: germline.
Comment: This sequence change creates a premature translational stop signal (p.Glu913*) in the SYNJ1 gene. It is expected to result in an absent or disrupted protein product. Loss-of-function variants in SYNJ1 are known to be pathogenic (PMID: 25316601, 27435091). This variant is not present in population databases (gnomAD no frequency). This variant has not been reported in the literature in individuals affected with SYNJ1-related conditions. ClinVar contains an entry for this variant (Variation ID: 2030810). For these reasons, this variant has been classified as Pathogenic.

Literature cited by the submitters: PubMed 25316601; PubMed 27435091.